The following is an entry in ClinVar:

NM_001040716.2(PC):c.1843G>A (p.Ala615Thr)

Gene: PC (pyruvate carboxylase; minus strand). Cytogenetic location: 11q13.2.
Variant type: single nucleotide variant.
Coding change: c.1843G>A on transcript NM_001040716.2 (MANE Select); coding-DNA position 1843, G replaced by A.
Protein change: p.Ala615Thr; replaces alanine 615 with threonine.
Molecular consequence: missense variant.
Genome position (GRCh38, 1-based): chr11:66,851,929, C>T on the plus strand (G>A on the coding strand, the complement: PC is on the minus strand). VCF-style: chr11-66851929-C-T. GRCh37 (hg19) VCF-style: chr11-66619400-C-T.
Other names: c.1843G>A, p.Ala615Thr (NM_000920.4, NM_022172.3); short protein forms A615T.
Identifiers: ClinVar variation 1367408 (VCV001367408.5), dbSNP rs773466708, ClinGen allele CA6131238.

ClinVar aggregate classification (germline): Uncertain significance (1 of 4 stars; one submission).

Conditions:
Pyruvate carboxylase deficiency. Also called: Pyruvate Carboxylase Deficiency Disease; ATAXIA WITH LACTIC ACIDOSIS II; LEIGH SYNDROME DUE TO PYRUVATE CARBOXYLASE DEFICIENCY; PC DEFICIENCY; LEIGH NECROTIZING ENCEPHALOPATHY DUE TO PYRUVATE CARBOXYLASE DEFICIENCY. Identifiers: Orphanet 3008, MedGen C0034341, MONDO:0009949, OMIM 266150.

gnomAD v4.1: 27 of 1,613,864 alleles (0.0017%); highest among the groups gnomAD compares: Middle Eastern, 0.016%; no homozygotes.

Submission:

Labcorp Genetics (formerly Invitae), Labcorp
Classification: Uncertain significance for Pyruvate carboxylase deficiency. Last evaluated: 2024-09-30. Review status: criteria provided, single submitter. Criteria: Invitae Variant Classification Sherloc (09022015). Collection method: clinical testing. Allele origin: germline.
Comment: This sequence change replaces alanine, which is neutral and non-polar, with threonine, which is neutral and polar, at codon 615 of the PC protein (p.Ala615Thr). This variant is present in population databases (rs773466708, gnomAD 0.006%). This variant has not been reported in the literature in individuals affected with PC-related conditions. ClinVar contains an entry for this variant (Variation ID: 1367408). Invitae Evidence Modeling of protein sequence and biophysical properties (such as structural, functional, and spatial information, amino acid conservation, physicochemical variation, residue mobility, and thermodynamic stability) has been performed for this missense variant. However, the output from this modeling did not meet the statistical confidence thresholds required to predict the impact of this variant on PC protein function. In summary, the available evidence is currently insufficient to determine the role of this variant in disease. Therefore, it has been classified as a Variant of Uncertain Significance.